The following is an entry in ClinVar:

NM_033380.3(COL4A5):c.4369G>A (p.Gly1457Ser)

Gene: COL4A5 (collagen type IV alpha 5 chain; plus strand). Cytogenetic location: Xq22.3.
Variant type: single nucleotide variant.
Coding change: c.4369G>A on transcript NM_033380.3 (MANE Select); coding-DNA position 4369, G replaced by A.
Protein change: p.Gly1457Ser; replaces glycine 1457 with serine.
Molecular consequence: missense variant.
Genome position (GRCh38, 1-based): chrX:108,687,535, G>A. VCF-style: chrX-108687535-G-A. GRCh37 (hg19) VCF-style: chrX-107930765-G-A.
Other names: c.4351G>A, p.Gly1451Ser (NM_000495.5); short protein forms G1451S, G1457S.
Identifiers: ClinVar variation 3234581 (VCV003234581.20), dbSNP rs104886280, ClinGen allele CA259033.
Genomic context (GRCh38, chrX:108,687,535, plus strand): 5'-GAAATAGGTACCCGTGGTTTGGATGGTCCCCCTGGTCCAGATGGATTGCAAGGTCCCCCA[G>A]GTCCCCCTGGAACCTCCTCTGTTGCACATGGATTTCTTATTACACGCCACAGCCAGACAA-3'
Protein context (NP_203699.1, residues 1447-1467): PGPDGLQGPP[Gly1457Ser]PPGTSSVAHG

ClinVar aggregate classification (germline): Likely pathogenic (1 of 4 stars; one submission).

Submission:

CeGaT Center for Human Genetics Tuebingen
Classification: Likely pathogenic. Last evaluated: 2024-04-01. Review status: criteria provided, single submitter. Criteria: CeGaT Center For Human Genetics Tuebingen Variant Classification Criteria Version 2. Collection method: clinical testing. Allele origin: germline. Affected: yes. Observed: 1 variant allele.
Comment: COL4A5: PM1, PM2, PM5, PP3, PS4:Supporting